The following is an entry in ClinVar:

NM_004370.6(COL12A1):c.2229G>A (p.Trp743Ter)

Gene: COL12A1 (collagen type XII alpha 1 chain; minus strand). Cytogenetic location: 6q13.
Variant type: single nucleotide variant.
Coding change: c.2229G>A on transcript NM_004370.6 (MANE Select); coding-DNA position 2229, G replaced by A.
Protein change: p.Trp743Ter; replaces tryptophan 743 with a stop codon.
Molecular consequence: nonsense. On other transcripts: intron variant (2).
Genome position (GRCh38, 1-based): chr6:75,177,871, C>T on the plus strand (G>A on the coding strand, the complement: COL12A1 is on the minus strand). VCF-style: chr6-75177871-C-T. GRCh37 (hg19) VCF-style: chr6-75887587-C-T.
Other names: c.2229G>A, p.Trp743Ter (NM_001424113.1, NM_001424114.1, NM_001424115.1); c.73+24849G>A (NM_001424116.1, NM_080645.3); short protein forms W743*.
Identifiers: ClinVar variation 3756917 (VCV003756917.2).

ClinVar aggregate classification (germline): Uncertain significance (1 of 4 stars; one submission).

Conditions:
Ullrich congenital muscular dystrophy 2 (UCMD2). Identifiers: Orphanet 75840, MedGen C4225314, MONDO:0014654, OMIM 616470.
Bethlem myopathy 2 (BTHLM2). Identifiers: Orphanet 536516, Orphanet 610, MedGen C4225313, MONDO:0034022, OMIM 616471.

Submission:

Labcorp Genetics (formerly Invitae), Labcorp
Classification: Uncertain significance for Bethlem myopathy 2; Ullrich congenital muscular dystrophy 2. Last evaluated: 2024-06-21. Review status: criteria provided, single submitter. Criteria: Invitae Variant Classification Sherloc (09022015). Collection method: clinical testing. Allele origin: germline.
Comment: This sequence change creates a premature translational stop signal (p.Trp743*) in the COL12A1 gene. Multiple COL12A1 isoforms have been reported, and the functional impact of this variant is uncertain (PMID: 8601036). This variant is not present in population databases (gnomAD no frequency). This variant has not been reported in the literature in individuals affected with COL12A1-related conditions. In summary, the available evidence is currently insufficient to determine the role of this variant in disease. Therefore, it has been classified as a Variant of Uncertain Significance.

Literature cited by the submitters: PubMed 8601036.